The following is an entry in ClinVar:

ClinVar aggregate classification (germline): Uncertain significance (1 of 4 stars; one submission).

Allele frequency attached by ClinVar (database versions not stated): gnomAD exomes below 0.00001 and 0.00001; ExAC 0.00001.
gnomAD v4.1: 6 of 1,614,186 alleles (0.00037%); highest among the groups gnomAD compares: Admixed American, 0.0017%; no homozygotes.

Submission:

Labcorp Genetics (formerly Invitae), Labcorp
Classification: Uncertain significance. Last evaluated: 2022-08-09. Review status: criteria provided, single submitter. Criteria: Invitae Variant Classification Sherloc (09022015). Collection method: clinical testing. Allele origin: germline.
Comment: This sequence change replaces threonine, which is neutral and polar, with isoleucine, which is neutral and non-polar, at codon 336 of the RNF13 protein (p.Thr336Ile). This variant is present in population databases (rs766417742, gnomAD 0.003%). In summary, the available evidence is currently insufficient to determine the role of this variant in disease. Therefore, it has been classified as a Variant of Uncertain Significance. Algorithms developed to predict the effect of missense changes on protein structure and function (SIFT, PolyPhen-2, Align-GVGD) all suggest that this variant is likely to be tolerated. ClinVar contains an entry for this variant (Variation ID: 1354122). This variant has not been reported in the literature in individuals affected with RNF13-related conditions.

NM_183381.3(RNF13):c.1007C>T (p.Thr336Ile)

Gene: RNF13 (ring finger protein 13; plus strand). Cytogenetic location: 3q25.1.
Variant type: single nucleotide variant.
Coding change: c.1007C>T on transcript NM_183381.3 (MANE Select); coding-DNA position 1007, C replaced by T.
Protein change: p.Thr336Ile; replaces threonine 336 with isoleucine.
Molecular consequence: missense variant. On other transcripts: non-coding transcript variant (1).
Genome position (GRCh38, 1-based): chr3:149,960,965, C>T. VCF-style: chr3-149960965-C-T. GRCh37 (hg19) VCF-style: chr3-149678752-C-T.
Other names: c.1007C>T, p.Thr336Ile (NM_001378285.1, NM_001378286.1, NM_007282.4); c.650C>T, p.Thr217Ile (NM_001378287.1, NM_001378288.1, NM_001378289.1 and 2 more transcripts); c.614C>T, p.Thr205Ile (NM_001378291.1); short protein forms T336I, T217I, T205I.
Identifiers: ClinVar variation 1354122 (VCV001354122.6), dbSNP rs766417742, ClinGen allele CA2663144.